The following is an entry in ClinVar:

ClinVar aggregate classification (germline): Conflicting classifications of pathogenicity. Review status: criteria provided, conflicting classifications (1 of 4 stars). 3 submissions from 3 submitters: Uncertain significance (2); Benign (1). Last evaluated 2025-12-29.

Conditions:
Charcot-Marie-Tooth disease axonal type 2P. Also called: CHARCOT-MARIE-TOOTH NEUROPATHY, TYPE 2P; Charcot-Marie-Tooth Neuropathy Type 2G; CHARCOT-MARIE-TOOTH DISEASE, AXONAL, TYPE 2G; CMT 2G. Identifiers: Orphanet 300319, Orphanet 99941, MedGen C3280797, MONDO:0013753, OMIM 614436.

Allele frequency attached by ClinVar (database versions not stated): TOPMed 0.00007; gnomAD 0.00008 and 0.00009; gnomAD exomes 0.00011 and 0.00018; 1000 Genomes Project 0.00020; ExAC 0.00021; 1000 Genomes Project 30x 0.00031.

Submissions (3):

Labcorp Genetics (formerly Invitae), Labcorp
Classification: Uncertain significance for Charcot-Marie-Tooth disease axonal type 2P. Last evaluated: 2025-12-29. Review status: criteria provided, single submitter. Criteria: Invitae Variant Classification Sherloc (09022015). Collection method: clinical testing. Allele origin: germline.
Comment: This sequence change replaces glutamine, which is neutral and polar, with lysine, which is basic and polar, at codon 573 of the LRSAM1 protein (p.Gln573Lys). This variant is present in population databases (rs150882646, gnomAD 0.07%). This variant has not been reported in the literature in individuals affected with LRSAM1-related conditions. ClinVar contains an entry for this variant (Variation ID: 472795). Invitae Evidence Modeling of protein sequence and biophysical properties (such as structural, functional, and spatial information, amino acid conservation, physicochemical variation, residue mobility, and thermodynamic stability) indicates that this missense variant is not expected to disrupt LRSAM1 protein function with a negative predictive value of 80%. In summary, the available evidence is currently insufficient to determine the role of this variant in disease. Therefore, it has been classified as a Variant of Uncertain Significance.

Women's Health and Genetics/Laboratory Corporation of America, LabCorp
Classification: Uncertain significance. Last evaluated: 2025-04-21. Review status: criteria provided, single submitter. Criteria: LabCorp Variant Classification Summary - May 2015. Collection method: clinical testing. Allele origin: germline.
Comment: Variant summary: LRSAM1 c.1717C>A (p.Gln573Lys) results in a conservative amino acid change located in the Sterile alpha motif domain (IPR001660) of the encoded protein sequence. Five of five in-silico tools predict a benign effect of the variant on protein function. The variant allele was found at a frequency of 0.00018 in 249440 control chromosomes. This frequency is not significantly higher than estimated for a pathogenic variant in LRSAM1 causing Charcot-Marie-Tooth disease axonal type 2P-AR (0.00018 vs 0.0011), allowing no conclusion about variant significance. To our knowledge, no occurrence of c.1717C>A in individuals affected with Charcot-Marie-Tooth disease axonal type 2P-AR and no experimental evidence demonstrating its impact on protein function have been reported. ClinVar contains an entry for this variant (Variation ID: 472795). Based on the evidence outlined above, the variant was classified as uncertain significance.

GeneDx
Classification: Benign. Last evaluated: 2020-08-26. Review status: criteria provided, single submitter. Criteria: GeneDx Variant Classification Process June 2021. Collection method: clinical testing. Allele origin: germline. Affected: yes.
Comment: This variant is associated with the following publications: (PMID: 28335037)

NM_001005373.4(LRSAM1):c.1717C>A (p.Gln573Lys)

Gene: LRSAM1 (leucine rich repeat and sterile alpha motif containing 1; plus strand). Cytogenetic location: 9q33.3.
Variant type: single nucleotide variant.
Coding change: c.1717C>A on transcript NM_001005373.4 (MANE Select); coding-DNA position 1717, C replaced by A.
Protein change: p.Gln573Lys; replaces glutamine 573 with lysine.
Molecular consequence: missense variant. On other transcripts: non-coding transcript variant (2).
Genome position (GRCh38, 1-based): chr9:127,495,982, C>A. VCF-style: chr9-127495982-C-A. GRCh37 (hg19) VCF-style: chr9-130258261-C-A.
Other names: c.1717C>A, p.Gln573Lys (NM_001005374.4, NM_001384142.1, NM_138361.5); c.1636C>A, p.Gln546Lys (NM_001190723.3); c.1618C>A, p.Gln540Lys (NM_001384143.1); c.928C>A, p.Gln310Lys (NM_001384144.1); short protein forms Q573K, Q546K, Q310K, Q540K.
Identifiers: ClinVar variation 472795 (VCV000472795.14), dbSNP rs150882646, ClinGen allele CA5247113.